The following is an entry in ClinVar:

NM_198253.3(TERT):c.1953C>T (p.Ala651=)

Gene: TERT (telomerase reverse transcriptase; minus strand). Cytogenetic location: 5p15.33.
Variant type: single nucleotide variant.
Coding change: c.1953C>T on transcript NM_198253.3 (MANE Select); coding-DNA position 1953, C replaced by T.
Protein change: p.Ala651=; no amino-acid change (alanine 651 retained).
Molecular consequence: synonymous variant. On other transcripts: non-coding transcript variant (2).
Genome position (GRCh38, 1-based): chr5:1,279,468, G>A on the plus strand (C>T on the coding strand, the complement: TERT is on the minus strand). VCF-style: chr5-1279468-G-A. GRCh37 (hg19) VCF-style: chr5-1279583-G-A.
Other names: c.1953C>T, p.Ala651= (NM_001193376.3).
Identifiers: ClinVar variation 471843 (VCV000471843.22), dbSNP rs201088708, ClinGen allele CA3184699.

ClinVar aggregate classification (germline): Likely benign. Review status: criteria provided, multiple submitters, no conflicts (2 of 4 stars). 7 submissions from 7 submitters: Likely benign (6). 1 of the submissions does not count toward it. Last evaluated 2025-12-22.

Conditions:
Idiopathic Pulmonary Fibrosis. Also called: Idiopathic fibrosing alveolitis, chronic form; idiopathic fibrosing alveolitis. Identifiers: Orphanet 2032, MedGen C1800706, MeSH D054990, MONDO:0800504.
Dyskeratosis congenita, autosomal dominant 2. Identifiers: MedGen C3151443, MONDO:0013521, OMIM 613989.
Dyskeratosis congenita. Identifiers: Orphanet 1775, MedGen C0265965, MONDO:0015780.
TERT-related disorder. Also called: TERT-related disorders; TERT-related condition.

Allele frequency attached by ClinVar (database versions not stated): gnomAD exomes 0.00009; ExAC 0.00021; TOPMed 0.00043; ESP Exome Variant Server 0.00049; gnomAD 0.00054; 1000 Genomes Project 30x 0.00125; 1000 Genomes Project 0.00160.
gnomAD v4.1: 133 of 1,548,936 alleles (0.0086%); highest among the groups gnomAD compares: African/African-American, 0.16%; no homozygotes.

Submissions (7):

Labcorp Genetics (formerly Invitae), Labcorp
Classification: Likely benign for Dyskeratosis congenita, autosomal dominant 2; Idiopathic Pulmonary Fibrosis. Last evaluated: 2025-12-22. Review status: criteria provided, single submitter. Criteria: Invitae Variant Classification Sherloc (09022015). Collection method: clinical testing. Allele origin: germline.

Blueprint Genetics
Classification: Likely benign. Last evaluated: 2022-03-11. Review status: criteria provided, single submitter. Criteria: ACMG Guidelines, 2015. Collection method: clinical testing. Allele origin: germline.

Sema4
Classification: Likely benign for Dyskeratosis congenita. Last evaluated: 2021-07-13. Review status: criteria provided, single submitter. Criteria: Sema4 Curation Guidelines. Collection method: curation. Allele origin: germline.

Genetic Services Laboratory, University of Chicago
Classification: Likely benign. Last evaluated: 2020-02-11. Review status: criteria provided, single submitter. Criteria: ACMG Guidelines, 2015. Collection method: clinical testing. Allele origin: germline. Affected: no.

Ambry Genetics
Classification: Likely benign for Dyskeratosis congenita. Last evaluated: 2015-11-03. Review status: criteria provided, single submitter. Criteria: Ambry Variant Classification Scheme 2023. Collection method: clinical testing. Allele origin: germline.

Breakthrough Genomics
Classification: Likely benign. Review status: criteria provided, single submitter. Criteria: ACMG Guidelines, 2015. Collection method: not provided. Allele origin: germline. Inheritance: Autosomal recessive inheritance. Affected: yes.

PreventionGenetics, part of Exact Sciences
Classification: Likely benign for TERT-related condition. Last evaluated: 2021-10-26. Review status: no assertion criteria provided. Collection method: clinical testing. Allele origin: germline. Not counted in ClinVar's aggregate classification.
Comment: This variant is classified as likely benign based on ACMG/AMP sequence variant interpretation guidelines (Richards et al. 2015 PMID: 25741868, with internal and published modifications).